The following is an entry in ClinVar:

ClinVar aggregate classification (germline): Uncertain significance (1 of 4 stars; one submission).

Submission:

GeneDx
Classification: Uncertain significance. Last evaluated: 2025-01-08. Review status: criteria provided, single submitter. Criteria: GeneDx Variant Classification Process June 2021. Collection method: clinical testing. Allele origin: germline. Affected: yes.
Comment: Not observed at significant frequency in large population cohorts (gnomAD); In silico analysis supports that this missense variant has a deleterious effect on protein structure/function; Has not been previously published as pathogenic or benign to our knowledge

NM_001297595.2(SIN3B):c.343A>G (p.Asn115Asp)

Gene: SIN3B (SIN3 transcription regulator family member B; plus strand). Cytogenetic location: 19p13.11.
Variant type: single nucleotide variant.
Coding change: c.343A>G on transcript NM_001297595.2 (MANE Select); coding-DNA position 343, A replaced by G.
Protein change: p.Asn115Asp; replaces asparagine 115 with aspartic acid.
Molecular consequence: missense variant.
Genome position (GRCh38, 1-based): chr19:16,831,609, A>G. VCF-style: chr19-16831609-A-G. GRCh37 (hg19) VCF-style: chr19-16942420-A-G.
Other names: c.343A>G, p.Asn115Asp (NM_015260.4); short protein forms N115D.
Identifiers: ClinVar variation 4056994 (VCV004056994.1).